The following is an entry in ClinVar:

NM_014168.4(METTL5):c.392C>T (p.Thr131Ile)

Gene: METTL5 (methyltransferase 5, N6-adenosine; minus strand). Cytogenetic location: 2q31.1.
Variant type: single nucleotide variant.
Coding change: c.392C>T on transcript NM_014168.4 (MANE Select); coding-DNA position 392, C replaced by T.
Protein change: p.Thr131Ile; replaces threonine 131 with isoleucine.
Molecular consequence: missense variant.
Genome position (GRCh38, 1-based): chr2:169,821,106, G>A on the plus strand (C>T on the coding strand, the complement: METTL5 is on the minus strand). VCF-style: chr2-169821106-G-A. GRCh37 (hg19) VCF-style: chr2-170677616-G-A.
Other names: c.392C>T, p.Thr131Ile (NM_001293186.2, NM_001293187.2); short protein forms T131I.
Identifiers: ClinVar variation 3392907 (VCV003392907.1).
Genomic context (GRCh38, chr2:169,821,106, plus strand): 5'-AATCTTTTCTATAAATATACCAATATACCCGATTCTTGTTACAAACCTTTATTATTTTTG[G>A]TCCCAAAGGGAGGATTCATAATTACTGTATCGAATGACTTGGACATTCTGTTAGATAATA-3'
Protein context (NP_054887.2, residues 121-141): DTVIMNPPFG[Thr131Ile]KNNKGTDMAF

ClinVar aggregate classification (germline): Uncertain significance (1 of 4 stars; one submission).

gnomAD v4.1: 8 of 1,588,286 alleles (0.0005%); highest among the groups gnomAD compares: Admixed American, 0.0075%; no homozygotes.

Submission:

GeneDx
Classification: Uncertain significance. Last evaluated: 2024-06-26. Review status: criteria provided, single submitter. Criteria: GeneDx Variant Classification Process June 2021. Collection method: clinical testing. Allele origin: germline. Affected: yes.
Comment: In silico analysis supports that this missense variant has a deleterious effect on protein structure/function; Has not been previously published as pathogenic or benign to our knowledge